The following is an entry in ClinVar:

ClinVar aggregate classification (germline): Uncertain significance (1 of 4 stars; one submission).

Conditions:
Frasier syndrome. Identifiers: Orphanet 347, MedGen C0950122, MeSH D052159, MONDO:0007635, OMIM 136680.
Drash syndrome (DDS). Also called: NEPHROPATHY, WILMS TUMOR, AND GENITAL ANOMALIES; WILMS TUMOR AND PSEUDO- OR TRUE HERMAPHRODITISM. Identifiers: Orphanet 220, MedGen C0950121, MONDO:0008682, OMIM 194080.
Wilms tumor 1 (WT1). Also called: Wilms tumor, somatic. Identifiers: Orphanet 654, MedGen CN033288, MONDO:0008679, OMIM 194070.
11p partial monosomy syndrome (WAGR). Also called: WAGR Spectrum Disorder; CHROMOSOME 11p13 DELETION SYNDROME; WAGR Complex; WAGR syndrome. Identifiers: Orphanet 893, MedGen C0206115, MONDO:0008681, OMIM 194072.

Submission:

Labcorp Genetics (formerly Invitae), Labcorp
Classification: Uncertain significance for Wilms tumor 1; Drash syndrome; 11p partial monosomy syndrome; Frasier syndrome. Last evaluated: 2021-02-16. Review status: criteria provided, single submitter. Criteria: Invitae Variant Classification Sherloc (09022015). Collection method: clinical testing. Allele origin: germline.
Comment: Algorithms developed to predict the effect of missense changes on protein structure and function (SIFT, PolyPhen-2, Align-GVGD) all suggest that this variant is likely to be disruptive, but these predictions have not been confirmed by published functional studies and their clinical significance is uncertain. In summary, the available evidence is currently insufficient to determine the role of this variant in disease. Therefore, it has been classified as a Variant of Uncertain Significance. This variant has not been reported in the literature in individuals with WT1-related conditions. This variant is not present in population databases (ExAC no frequency). This sequence change replaces serine with cysteine at codon 433 of the WT1 protein (p.Ser433Cys). The serine residue is highly conserved and there is a moderate physicochemical difference between serine and cysteine.

NM_024426.6(WT1):c.1313C>G (p.Ser438Cys)

Gene: WT1 (WT1 transcription factor; minus strand). Cytogenetic location: 11p13.
Variant type: single nucleotide variant.
Coding change: c.1313C>G on transcript NM_024426.6 (MANE Select); coding-DNA position 1313, C replaced by G.
Protein change: p.Ser438Cys; replaces serine 438 with cysteine.
Molecular consequence: missense variant. On other transcripts: non-coding transcript variant (1).
Genome position (GRCh38, 1-based): chr11:32,392,707, G>C on the plus strand (C>G on the coding strand, the complement: WT1 is on the minus strand). VCF-style: chr11-32392707-G-C. GRCh37 (hg19) VCF-style: chr11-32414253-G-C.
Other names: c.1262C>G, p.Ser421Cys (NM_000378.6, NM_001407045.1, NM_001407049.1); c.662C>G, p.Ser221Cys (NM_001198551.2); c.611C>G, p.Ser204Cys (NM_001198552.2); c.125C>G, p.Ser42Cys (NM_001367854.1); c.1307C>G, p.Ser436Cys (NM_001407044.1); c.1313C>G, p.Ser438Cys (NM_001407046.1, NM_024424.5); c.1190C>G, p.Ser397Cys (NM_001407047.1); c.1139C>G, p.Ser380Cys (NM_001407050.1); and 2 more; short protein forms S204C, S42C, S421C, S438C, S221C, S184C, S380C, S433C.
Identifiers: ClinVar variation 1371669 (VCV001371669.9), dbSNP rs2132920415, ClinGen allele CA379959267.
Genomic context (GRCh38, chr11:32,392,707, plus strand): 5'-GAGAAGTGAACCTACAAACCTGTATGTCTCCTTTGGTGTCTTTTGAGCTGGTCTGAACGA[G>C]AAAACCTTCGTTCACAGTCCTTGAAGTCACACTGGTATGGTTTCTCACCTTGGGGAAGAC-3'
Protein context (NP_077744.4, residues 428-448): CDFKDCERRF[Ser438Cys]RSDQLKRHQR